The following is an entry in ClinVar:

ClinVar aggregate classification (germline): Uncertain significance (1 of 4 stars; one submission).

Allele frequency attached by ClinVar (database versions not stated): gnomAD exomes below 0.00001; ExAC 0.00001; gnomAD 0.00001; TOPMed 0.00001; ESP Exome Variant Server 0.00008.
gnomAD v4.1: 5 of 1,613,944 alleles (0.00031%); highest among the groups gnomAD compares: Admixed American, 0.0017%; no homozygotes.

Submission:

Labcorp Genetics (formerly Invitae), Labcorp
Classification: Uncertain significance. Last evaluated: 2025-07-28. Review status: criteria provided, single submitter. Criteria: Invitae Variant Classification Sherloc (09022015). Collection method: clinical testing. Allele origin: germline.
Comment: This sequence change replaces aspartic acid, which is acidic and polar, with glycine, which is neutral and non-polar, at codon 84 of the CDH2 protein (p.Asp84Gly). This variant is present in population databases (rs373421991, gnomAD 0.0009%). This variant has not been reported in the literature in individuals affected with CDH2-related conditions. ClinVar contains an entry for this variant (Variation ID: 2987905). An algorithm developed to predict the effect of missense changes on protein structure and function (PolyPhen-2) suggests that this variant is likely to be tolerated. In summary, the available evidence is currently insufficient to determine the role of this variant in disease. Therefore, it has been classified as a Variant of Uncertain Significance.

NM_001792.5(CDH2):c.251A>G (p.Asp84Gly)

Gene: CDH2 (cadherin 2; minus strand). Cytogenetic location: 18q12.1.
Variant type: single nucleotide variant.
Coding change: c.251A>G on transcript NM_001792.5 (MANE Select); coding-DNA position 251, A replaced by G.
Protein change: p.Asp84Gly; replaces aspartic acid 84 with glycine.
Molecular consequence: missense variant.
Genome position (GRCh38, 1-based): chr18:28,013,831, T>C on the plus strand (A>G on the coding strand, the complement: CDH2 is on the minus strand). VCF-style: chr18-28013831-T-C. GRCh37 (hg19) VCF-style: chr18-25593795-T-C.
Other names: c.158A>G, p.Asp53Gly (NM_001308176.2); short protein forms D53G, D84G.
Identifiers: ClinVar variation 2987905 (VCV002987905.3), dbSNP rs373421991, ClinGen allele CA8923742.
Genomic context (GRCh38, chr18:28,013,831, plus strand): 5'-ATCAGGAACTTGGCATGCTCAGAAGAGAGTGGAAAGCTTCTCACGGCATACACCATGCCA[T>C]CTTCATCCACCTTAAAATCTGCAGGCTCACTGCTCTCATATTGTACTTTTCTTTTTCCAT-3'
Protein context (NP_001783.2, residues 74-94): SEPADFKVDE[Asp84Gly]GMVYAVRSFP